The following is an entry in ClinVar:

NM_001378120.1(MBD5):c.4591A>C (p.Ser1531Arg)

Gene: MBD5 (methyl-CpG binding domain protein 5; plus strand). Cytogenetic location: 2q23.1.
Variant type: single nucleotide variant.
Coding change: c.4591A>C on transcript NM_001378120.1 (MANE Select); coding-DNA position 4591, A replaced by C.
Protein change: p.Ser1531Arg; replaces serine 1531 with arginine.
Molecular consequence: missense variant.
Genome position (GRCh38, 1-based): chr2:148,490,223, A>C. VCF-style: chr2-148490223-A-C. GRCh37 (hg19) VCF-style: chr2-149247792-A-C.
Other names: c.3892A>C, p.Ser1298Arg (NM_018328.5); short protein forms S1298R, S1531R.
Identifiers: ClinVar variation 389841 (VCV000389841.8), dbSNP rs781154198, ClinGen allele CA16603916.
Genomic context (GRCh38, chr2:148,490,223, plus strand): 5'-GAGAGACTAGAGAACACTGTGGAAAGATGTGCACACATAAATGGGAATAGACCTCGACAG[A>C]GTCGGGGATTTGGAGAGCTGCTAAGCACTGCAAAGCAAGACCTGGTCCTAGAGGAGCAGT-3'
Protein context (NP_001365049.1, residues 1521-1541): AHINGNRPRQ[Ser1531Arg]RGFGELLSTA

ClinVar aggregate classification (germline): Conflicting classifications of pathogenicity. Review status: criteria provided, conflicting classifications (1 of 4 stars). 4 submissions from 4 submitters: Uncertain significance (1); Likely benign (3). Last evaluated 2026-04-01.

Conditions:
Intellectual developmental disorder, autosomal dominant 1. Also called: MBD5 Haploinsufficiency; Intellectual disability, autosomal dominant 1. Identifiers: Orphanet 228402, MedGen C1969562, MONDO:0007974, OMIM 156200.

gnomAD v4.1: 4 of 1,614,216 alleles (0.00025%); highest among the groups gnomAD compares: Admixed American, 0.0017%; no homozygotes.

Submissions (4):

CeGaT Center for Human Genetics Tuebingen
Classification: Likely benign. Last evaluated: 2026-04-01. Review status: criteria provided, single submitter. Criteria: CeGaT Center For Human Genetics Tuebingen Variant Classification Criteria Version 2. Collection method: clinical testing. Allele origin: germline. Affected: yes. Observed: 1 variant allele.
Comment: MBD5: BP4

Labcorp Genetics (formerly Invitae), Labcorp
Classification: Uncertain significance for Intellectual developmental disorder, autosomal dominant 1. Last evaluated: 2025-12-19. Review status: criteria provided, single submitter. Criteria: Invitae Variant Classification Sherloc (09022015). Collection method: clinical testing. Allele origin: germline.
Comment: This sequence change replaces serine, which is neutral and polar, with arginine, which is basic and polar, at codon 1298 of the MBD5 protein (p.Ser1298Arg). This variant is not present in population databases (gnomAD no frequency). This variant has not been reported in the literature in individuals affected with MBD5-related conditions. ClinVar contains an entry for this variant (Variation ID: 389841). Experimental studies and prediction algorithms are not available or were not evaluated, and the functional significance of this variant is currently unknown. In summary, the available evidence is currently insufficient to determine the role of this variant in disease. Therefore, it has been classified as a Variant of Uncertain Significance.

GeneDx
Classification: Likely benign. Last evaluated: 2020-09-28. Review status: criteria provided, single submitter. Criteria: GeneDx Variant Classification Process June 2021. Collection method: clinical testing. Allele origin: germline. Affected: yes.

Laboratorio de Genetica e Diagnostico Molecular, Hospital Israelita Albert Einstein
Classification: Likely benign. Last evaluated: 2019-12-15. Review status: criteria provided, single submitter. Criteria: ACMG Guidelines, 2015. Collection method: clinical testing. Allele origin: germline. Affected: yes.
Comment: ACMG classification criteria: PM2, BP1, BP4, BP6